The following is an entry in ClinVar:

ClinVar aggregate classification (germline): Uncertain significance (1 of 4 stars; one submission).

Conditions:
Autosomal recessive distal spinal muscular atrophy 1. Also called: SEVERE INFANTILE AXONAL NEUROPATHY WITH RESPIRATORY FAILURE; SPINAL MUSCULAR ATROPHY, DIAPHRAGMATIC; Spinal muscular atrophy with respiratory distress 1; NEURONOPATHY, DISTAL HEREDITARY MOTOR, HARDING TYPE VI; NEUROPATHY, DISTAL HEREDITARY MOTOR, AUTOSOMAL RECESSIVE 1; HMN VI. Identifiers: Orphanet 98920, MedGen C1858517, MONDO:0011436, OMIM 604320.
Charcot-Marie-Tooth disease axonal type 2S. Also called: CHARCOT-MARIE-TOOTH DISEASE, AXONAL, AUTOSOMAL RECESSIVE, TYPE 2S; CHARCOT-MARIE-TOOTH NEUROPATHY, TYPE 2S. Identifiers: Orphanet 443073, MedGen C4015349, MONDO:0014511, OMIM 616155.

Submission:

Labcorp Genetics (formerly Invitae), Labcorp
Classification: Uncertain significance for Autosomal recessive distal spinal muscular atrophy 1; Charcot-Marie-Tooth disease axonal type 2S. Last evaluated: 2021-09-24. Review status: criteria provided, single submitter. Criteria: Invitae Variant Classification Sherloc (09022015). Collection method: clinical testing. Allele origin: germline.
Comment: This variant, c.1041_1043del, results in the deletion of 1 amino acid(s) of the IGHMBP2 protein (p.Val348del), but otherwise preserves the integrity of the reading frame. This variant is not present in population databases (ExAC no frequency). This variant has not been reported in the literature in individuals with IGHMBP2-related conditions. Experimental studies and prediction algorithms are not available or were not evaluated, and the functional significance of this variant is currently unknown. In summary, the available evidence is currently insufficient to determine the role of this variant in disease. Therefore, it has been classified as a Variant of Uncertain Significance.

NM_002180.3(IGHMBP2):c.1041_1043del (p.Val348del)

Gene: IGHMBP2 (immunoglobulin mu DNA binding protein 2; plus strand). Cytogenetic location: 11q13.3.
Variant type: Deletion.
Coding change: c.1041_1043del on transcript NM_002180.3 (MANE Select); coding-DNA positions 1041 to 1043, 3 bases deleted (GGT; older notation c.1041_1043delGGT).
Protein change: p.Val348del; deletes valine 348.
Molecular consequence: inframe deletion.
Genome position (GRCh38, 1-based): chr11:68,917,864-68,917,866, GGT deleted; deleting any 3 consecutive bases within chr11:68,917,862-68,917,866 gives the same sequence; the c. name uses the placement nearest the transcript's 3' end. VCF-style (leftmost placement, unchanged base first): chr11-68917861-CGTG-C. GRCh37 (hg19) VCF-style: chr11-68685329-CGTG-C.
Other names: short protein forms V348del.
Identifiers: ClinVar variation 1485439 (VCV001485439.5), dbSNP rs1858730437, ClinGen allele CA2497321075.